The following is an entry in ClinVar:

ClinVar aggregate classification (germline): Pathogenic/Likely pathogenic. Review status: criteria provided, multiple submitters, no conflicts (2 of 4 stars). 3 submissions from 3 submitters: Pathogenic (1); Likely pathogenic (1). 1 of the submissions does not count toward it. Last evaluated 2024-11-27.

Conditions:
Primary ciliary dyskinesia. Also called: Ciliary dyskinesia. Identifiers: Orphanet 244, MedGen C0008780, MONDO:0016575, HP:0012265.
DNAH11-related disorder. Also called: DNAH11-related condition.
Primary ciliary dyskinesia 7. Also called: CILIARY DYSKINESIA, PRIMARY, 7, WITH OR WITHOUT SITUS INVERSUS. Identifiers: Orphanet 244, MedGen C2678473, MONDO:0012748, OMIM 611884.

Submissions (3):

Labcorp Genetics (formerly Invitae), Labcorp
Classification: Pathogenic for Primary ciliary dyskinesia. Last evaluated: 2024-11-27. Review status: criteria provided, single submitter. Criteria: Invitae Variant Classification Sherloc (09022015). Collection method: clinical testing. Allele origin: germline.
Comment: This sequence change creates a premature translational stop signal (p.Met4390Asnfs*10) in the DNAH11 gene. It is expected to result in an absent or disrupted protein product. Loss-of-function variants in DNAH11 are known to be pathogenic (PMID: 18022865, 20513915, 22184204). This variant is present in population databases (rs766922403, gnomAD 0.02%). This variant has not been reported in the literature in individuals affected with DNAH11-related conditions. ClinVar contains an entry for this variant (Variation ID: 947761). Algorithms developed to predict the effect of sequence changes on RNA splicing suggest that this variant may disrupt the consensus splice site. For these reasons, this variant has been classified as Pathogenic.

Fulgent Genetics
Classification: Likely pathogenic for Primary ciliary dyskinesia 7. Last evaluated: 2024-04-10. Review status: criteria provided, single submitter. Criteria: ACMG Guidelines, 2015. Collection method: clinical testing. Allele origin: germline.

PreventionGenetics, part of Exact Sciences
Classification: Pathogenic for DNAH11-related condition. Last evaluated: 2024-02-08. Review status: no assertion criteria provided. Collection method: clinical testing. Allele origin: germline. Not counted in ClinVar's aggregate classification.
Comment: The DNAH11 c.13165_13168dupATCA variant is predicted to result in a frameshift and premature protein termination (p.Met4390Asnfs*10). To our knowledge, this variant has not been reported in the literature. This variant is reported in 0.017% of alleles in individuals of East Asian descent in gnomAD. Frameshift variants in DNAH11 are expected to be pathogenic. This variant is interpreted as pathogenic.

Literature cited by the submitters: PubMed 18022865 (cited by Labcorp Genetics (formerly Invitae), Labcorp); PubMed 20513915 (cited by Labcorp Genetics (formerly Invitae), Labcorp); PubMed 22184204 (cited by Labcorp Genetics (formerly Invitae), Labcorp).

NM_001277115.2(DNAH11):c.13165_13168dup (p.Met4390fs)

Gene: DNAH11 (dynein axonemal heavy chain 11; plus strand). Cytogenetic location: 7p15.3.
Variant type: Duplication.
Coding change: c.13165_13168dup on transcript NM_001277115.2 (MANE Select); coding-DNA positions 13165 to 13168, 4 bases duplicated (ATCA; older notation c.13165_13168dupATCA).
Protein change: p.Met4390fs; shifts the reading frame from methionine 4390.
Molecular consequence: frameshift variant.
Genome position (GRCh38, 1-based): chr7:21,899,982-21,899,985, ATCA duplicated; duplicating any 4 consecutive bases within chr7:21,899,980-21,899,985 gives the same sequence; the c. name uses the placement nearest the transcript's 3' end. VCF-style (leftmost placement, unchanged base first): chr7-21899979-G-GCAAT. GRCh37 (hg19) VCF-style: chr7-21939597-G-GCAAT.
Other names: c.13165_13168dupATCA (NM_001277115.1); short protein forms M4390fs.
Identifiers: ClinVar variation 947761 (VCV000947761.10), dbSNP rs766922403, ClinGen allele CA4183352.
Genomic context (GRCh38, chr7:21,899,979, plus strand): 5'-GCTCCCGGGAACCTTACATGCAACACTTTTATCCTATTCAATTTTTGTTATATTTCCAAA[G>GCAAT]CAATCATGCAGACGATGGCTCGAAAAAATGAGTGGCCCCTGGATAAAACGCGCTTGACTG-3'